The following is an entry in ClinVar:

ClinVar aggregate classification (germline): Uncertain significance (1 of 4 stars; one submission).

Allele frequency attached by ClinVar (database versions not stated): TOPMed below 0.00001.

Submission:

GeneDx
Classification: Uncertain significance. Last evaluated: 2019-11-14. Review status: criteria provided, single submitter. Criteria: GeneDx Variant Classification Process June 2021. Collection method: clinical testing. Allele origin: germline. Affected: yes.
Comment: Not observed in large population cohorts (Lek et al., 2016); In silico analysis, which includes protein predictors and evolutionary conservation, supports that this variant does not alter protein structure/function; Occurs in the triple helical domain at the Y position in the canonical Gly-X-Y repeat; although this variant may have an effect on normal protein folding and function, missense substitution at the Y position is not a common mechanism of disease; Has not been previously published as pathogenic or benign to our knowledge

NM_000092.5(COL4A4):c.334A>G (p.Thr112Ala)

Gene: COL4A4 (collagen type IV alpha 4 chain; minus strand). Cytogenetic location: 2q36.3.
Variant type: single nucleotide variant.
Coding change: c.334A>G on transcript NM_000092.5 (MANE Select); coding-DNA position 334, A replaced by G.
Protein change: p.Thr112Ala; replaces threonine 112 with alanine.
Molecular consequence: missense variant.
Genome position (GRCh38, 1-based): chr2:227,119,933, T>C on the plus strand (A>G on the coding strand, the complement: COL4A4 is on the minus strand). VCF-style: chr2-227119933-T-C. GRCh37 (hg19) VCF-style: chr2-227984649-T-C.
Other names: short protein forms T112A.
Identifiers: ClinVar variation 1310155 (VCV001310155.2), dbSNP rs1649155828, ClinGen allele CA350862477.
Genomic context (GRCh38, chr2:227,119,933, plus strand): 5'-GAGAAAATTTAGGGATACTTACAGGTATGCCATCTAAACCTGGAAATCCAGGAACACCAG[T>C]TGGACCCTAAAATCCCAGAAAATAAAACAAAGAGATAAAAATTATTAAATTAATAAGCTG-3'
Protein context (NP_000083.3, residues 102-122): AAGDKGDKGP[Thr112Ala]GVPGFPGLDG